The following is an entry in ClinVar:

ClinVar aggregate classification (germline): Pathogenic (1 of 4 stars; one submission).

Conditions:
Marfan syndrome (MFS). Also called: MARFAN SYNDROME, TYPE I; Marfan syndrome type 1; Marfan's syndrome; Marfan syndrome, classic; FBN1-Related Marfan Syndrome. Identifiers: Orphanet 284963, Orphanet 558, MedGen C0024796, MONDO:0007947, OMIM 154700.
Familial thoracic aortic aneurysm and aortic dissection (TAAD). Also called: Thoracic aortic aneurysms and dissections. Identifiers: Orphanet 91387, MedGen C4707243, MONDO:0019625.

Submission:

Labcorp Genetics (formerly Invitae), Labcorp
Classification: Pathogenic for Marfan syndrome; Familial thoracic aortic aneurysm and aortic dissection. Last evaluated: 2025-12-08. Review status: criteria provided, single submitter. Criteria: Invitae Variant Classification Sherloc (09022015). Collection method: clinical testing. Allele origin: germline.
Comment: This sequence change replaces cysteine, which is neutral and slightly polar, with arginine, which is basic and polar, at codon 1633 of the FBN1 protein (p.Cys1633Arg). This variant is not present in population databases (gnomAD no frequency). This missense change has been observed in individual(s) with clinical features of Marfan syndrome (PMID: 27611364; internal data). ClinVar contains an entry for this variant (Variation ID: 2925552). Invitae Evidence Modeling of protein sequence and biophysical properties (such as structural, functional, and spatial information, amino acid conservation, physicochemical variation, residue mobility, and thermodynamic stability) indicates that this missense variant is expected to disrupt FBN1 protein function with a positive predictive value of 95%. This variant affects a cysteine residue in the EGF-like, TGFBP or hybrid motif domains of FBN1. Cysteine residues are believed to be involved in intramolecular disulfide bridges and have been shown to be important for FBN1 protein structure (PMID: 16905551, 19349279). In addition, missense substitutions affecting cysteine residues within these domains are significantly overrepresented among patients with Marfan syndrome (PMID: 16571647, 17701892). This variant disrupts the p.Cys1633 amino acid residue in FBN1. Other variant(s) that disrupt this residue have been observed in individuals with FBN1-related conditions (internal data), which suggests that this may be a clinically significant amino acid residue. For these reasons, this variant has been classified as Pathogenic.

Literature cited by the submitters: PubMed 27611364; PubMed 16905551; PubMed 19349279; PubMed 16571647; PubMed 17701892.

NM_000138.5(FBN1):c.4897T>C (p.Cys1633Arg)

Gene: FBN1 (fibrillin 1; minus strand). Cytogenetic location: 15q21.1.
Variant type: single nucleotide variant.
Coding change: c.4897T>C on transcript NM_000138.5 (MANE Select); coding-DNA position 4897, T replaced by C.
Protein change: p.Cys1633Arg; replaces cysteine 1633 with arginine.
Molecular consequence: missense variant.
Genome position (GRCh38, 1-based): chr15:48,465,613, A>G on the plus strand (T>C on the coding strand, the complement: FBN1 is on the minus strand). VCF-style: chr15-48465613-A-G. GRCh37 (hg19) VCF-style: chr15-48757810-A-G.
Other names: c.4897T>C, p.Cys1633Arg (NM_001406716.1); short protein forms C1633R.
Identifiers: ClinVar variation 2925552 (VCV002925552.3), dbSNP rs2505496914, ClinGen allele CA392351144.
Genomic context (GRCh38, chr15:48,465,613, plus strand): 5'-ACCAGGACCATTTACCATCACACACTCGTGTATCTTCATTCAGGTAGTAGCCGGTTGGAC[A>G]GCGGCACTGGAAACTCCCAAAGGTGTTGATACATTTTCCTCCTTGGCACAGCCCTGGTAG-3'
Protein context (NP_000129.3, residues 1623-1643): INTFGSFQCR[Cys1633Arg]PTGYYLNEDT